The following is an entry in ClinVar:

ClinVar aggregate classification (germline): Pathogenic. Review status: reviewed by expert panel (3 of 4 stars). 43 submissions from 42 submitters: Pathogenic (1). 42 of the submissions do not count toward it. Last evaluated 2016-04-22.

Conditions:
Inherited ovarian cancer (without breast cancer).
Inherited breast cancer and ovarian cancer.
BRCA2-related cancer predisposition. Identifiers: MedGen CN377758, MONDO:0700269.
Pancreatic cancer, susceptibility to, 2. Identifiers: Orphanet 1333, MedGen C3150546, MONDO:0013235, OMIM 613347.
Glioma susceptibility 3 (GLM3). Also called: Glioblastoma 3. Identifiers: Orphanet 182067, Orphanet 360, MedGen C2751641, MONDO:0013093, OMIM 613029.
Familial prostate cancer. Also called: Hereditary Prostate Cancer. Identifiers: MedGen C2931456, MONDO:0700275, OMIM 176807.
Breast-ovarian cancer, familial, susceptibility to, 2 (BROVCA2). Also called: BRCA2 Hereditary Breast and Ovarian Cancer. Identifiers: Orphanet 145, MedGen C2675520, MONDO:0012933, OMIM 612555. Disease mechanism: loss of function.
Fanconi anemia complementation group D1. Also called: BRCA2-Related Fanconi Anemia. Identifiers: Orphanet 319462, MedGen C1838457, MONDO:0011584, OMIM 605724.
Medulloblastoma (MDB). Also called: Medulloblastoma, somatic; MEDULLOBLASTOMA PREDISPOSITION SYNDROME. Identifiers: Orphanet 616, MedGen C0025149, MeSH D008527, MONDO:0007959, OMIM 155255, HP:0002885.
Wilms tumor 1 (WT1). Also called: Wilms tumor, somatic. Identifiers: Orphanet 654, MedGen CN033288, MONDO:0008679, OMIM 194070.
Familial cancer of breast. Also called: BREAST CANCER, FAMILIAL; hereditary breast carcinoma; Hereditary breast cancer. Identifiers: Orphanet 227535, MedGen C0346153, MONDO:0016419, OMIM 114480. Disease mechanism: loss of function.
BRCA2-related disorder. Also called: BRCA2-related condition; BRCA2-related disorders. Identifiers: MedGen CN239275.
Hereditary cancer-predisposing syndrome. Also called: Neoplastic Syndromes, Hereditary; Tumor predisposition; Hereditary Cancer Syndrome; Hereditary neoplastic syndrome. Identifiers: Orphanet 140162, MedGen C0027672, MeSH D009386, MONDO:0015356.
Breast and/or ovarian cancer. Identifiers: MedGen CN221562.
Hereditary breast ovarian cancer syndrome. Also called: Breast and ovarian cancer; Hereditary breast and ovarian cancer; Hereditary breast and ovarian cancer syndrome (HBOC); Hereditary breast and ovarian cancer syndrome; BRCA1- and BRCA2-Associated Hereditary Breast and Ovarian Cancer; Hereditary breast and/or ovarian cancer syndrome. Identifiers: Orphanet 145, MedGen C0677776, MeSH D061325, MONDO:0003582. Disease mechanism: loss of function.
Breast-ovarian cancer, familial, susceptibility to, 1 (BROVCA1). Also called: BRCA1 Hereditary Breast and Ovarian Cancer; OVARIAN CANCER, SUSCEPTIBILITY TO. Identifiers: Orphanet 145, MedGen C2676676, MONDO:0011450, OMIM 604370. Disease mechanism: loss of function.
Malignant tumor of breast. Also called: Cancer breast; Malignant breast neoplasm. Identifiers: MedGen C0006142, MONDO:0007254. Disease mechanism: loss of function.

Submissions 1 to 9 of 43:

Evidence-based Network for the Interpretation of Germline Mutant Alleles (ENIGMA)
Classification: Pathogenic for Breast-ovarian cancer, familial, susceptibility to, 2. Last evaluated: 2016-04-22. Review status: reviewed by expert panel. Criteria: ENIGMA BRCA1/2 Classification Criteria (2015). Collection method: curation. Allele origin: germline.
Comment: Variant allele predicted to encode a truncated non-functional protein.

PreventionGenetics, part of Exact Sciences
Classification: Pathogenic for BRCA2-related condition. Last evaluated: 2026-05-15. Review status: criteria provided, single submitter. Criteria: ACMG Guidelines, 2015. Collection method: clinical testing. Allele origin: germline. Not counted in ClinVar's aggregate classification.
Comment: The BRCA2 c.5350_5351delAA variant is predicted to result in a frameshift and premature protein termination (p.Asn1784Hisfs*2). This variant (also described as 5573del and 5578del) has been reported in individuals with breast and ovarian cancer (Gayther et al. 1997. PubMed ID: 8988179; Table S2, Walsh et al. 2011. PubMed ID: 22006311), pancreatic cancer (Hu et al. 2018. PubMed ID: 29922827), peritoneal cancer (Table S2, Walsh et al. 2011. PubMed ID: 22006311), or prostate cancer (Castro et al. 2013. PubMed ID: 23569316). This variant is reported in 0.0065% of alleles in individuals of non-Finnish European descent in gnomAD, and it is interpreted as pathogenic by the majority of submitters in ClinVar, including the Evidence-based Network for the Interpretation of Germline Mutant Alleles (ENIGMA) expert panel (Variation ID: 37959). This variant is interpreted as pathogenic.

Genomics and Molecular Medicine Service, East Genomic Laboratory Hub, NHS Genomic Medicine Service
Classification: Pathogenic for Inherited breast cancer and ovarian cancer. Last evaluated: 2026-04-01. Review status: criteria provided, single submitter. Criteria: ACGS Best Practice Guidelines for Variant Classification in Rare Disease 2020. Collection method: clinical testing. Allele origin: germline. Affected: yes. Not counted in ClinVar's aggregate classification.
Comment: PVS1,PM5_Strong

Labcorp Genetics (formerly Invitae), Labcorp
Classification: Pathogenic for Hereditary breast ovarian cancer syndrome. Last evaluated: 2026-02-02. Review status: criteria provided, single submitter. Criteria: Invitae Variant Classification Sherloc (09022015). Collection method: clinical testing. Allele origin: germline. Not counted in ClinVar's aggregate classification.
Comment: This sequence change creates a premature translational stop signal (p.Asn1784Hisfs*2) in the BRCA2 gene. It is expected to result in an absent or disrupted protein product. Loss-of-function variants in BRCA2 are known to be pathogenic (PMID: 20104584). This variant is present in population databases (rs769126974, gnomAD 0.007%). This premature translational stop signal has been observed in individual(s) with breast and/or ovarian cancer (PMID: 10923033, 21324516, 22006311, 22144684, 23633455). This variant is also known as 5573delAA and 5578delAA. ClinVar contains an entry for this variant (Variation ID: 37959). For these reasons, this variant has been classified as Pathogenic.

Dasa
Classification: Pathogenic for Breast-ovarian cancer, familial, susceptibility to, 2. Last evaluated: 2026-01-02. Review status: criteria provided, single submitter. Criteria: DASA Assertion Criteria. Collection method: clinical testing. Allele origin: germline. Not counted in ClinVar's aggregate classification.
Comment: NM_000059.4(BRCA2):c.5350_5351del (p.Asn1784Hisfs*2) is a frameshift variant in BRCA2 predicted to alter the reading frame and introduce a premature termination codon and is predicted to result in an absent or altered protein product. Loss of function is an established disease mechanism for BRCA2 (PMID: 16199546; PMID: 17063271; PMID: 25632310). The affected residue or protein region has prior evidence supporting clinical relevance. Also, this variant is rare in population databases. Based on the currently available evidence, this variant is classified as pathogenic.

Ambry Genetics
Classification: Pathogenic for Hereditary cancer-predisposing syndrome. Last evaluated: 2025-12-10. Review status: criteria provided, single submitter. Criteria: Ambry Variant Classification Scheme 2023. Collection method: clinical testing. Allele origin: germline. Not counted in ClinVar's aggregate classification.
Comment: The c.5350_5351delAA alteration, located in exon 11 (coding exon 10) of the BRCA2 gene, consists of a deletion of 2 nucleotides from position 5350 to 5351, causing a translational frameshift with a predicted alternate stop codon after amino acids. This alteration is expected to result in loss of function by premature protein truncation or nonsense-mediated mRNA decay. Based on data from gnomAD, the -- allele has an overall frequency of 0.003% (1/31198) total alleles studied. The highest observed frequency was 0.007% (1/15316) of European (non-Finnish) alleles. This variant is located in the ovarian cancer cluster region (OCCR) of BRCA2 and has been detected in patients from multiple ovarian cancer series to date (Gayther, 1997; Zhang, 2011; Walsh, 2011; George, 2013). Of note, this variant is also designated as 5573delAA and 5578delAA in published literature. Based on the available evidence, this alteration is classified as pathogenic.

Cambridge Genomics Laboratory, East Genomic Laboratory Hub, NHS Genomic Medicine Service
Classification: Pathogenic for Inherited ovarian cancer (without breast cancer). Last evaluated: 2025-10-24. Review status: criteria provided, single submitter. Criteria: ACGS Best Practice Guidelines for Variant Classification in Rare Disease 2020. Collection method: clinical testing. Allele origin: germline. Affected: yes. Not counted in ClinVar's aggregate classification.
Comment: the same text as in the submission from Genomics and Molecular Medicine Service, East Genomic Laboratory Hub, NHS Genomic Medicine Service above.

Institute of Immunology and Genetics Kaiserslautern
Classification: Pathogenic for Breast-ovarian cancer, familial, susceptibility to, 1. Last evaluated: 2025-07-31. Review status: criteria provided, single submitter. Criteria: ACMG Guidelines, 2015. Collection method: clinical testing. Allele origin: germline. Affected: yes. Not counted in ClinVar's aggregate classification.
Comment: ACMG Criteria: PVS1, PM2, PP5_M.

Molecular Pathology, Peter Maccallum Cancer Centre
Classification: Pathogenic for Breast-ovarian cancer, familial, susceptibility to, 2. Last evaluated: 2025-05-21. Review status: criteria provided, single submitter. Criteria: ACMG Guidelines, 2015. Collection method: clinical testing. Allele origin: germline. Inheritance: Autosomal dominant inheritance. Not counted in ClinVar's aggregate classification.

NM_000059.4(BRCA2):c.5350_5351del (p.Asn1784fs)

Gene: BRCA2 (BRCA2 DNA repair associated; plus strand). Cytogenetic location: 13q13.1.
Variant type: Deletion.
Coding change: c.5350_5351del on transcript NM_000059.4 (MANE Select); coding-DNA positions 5350 to 5351, 2 bases deleted (AA; older notation c.5350_5351delAA).
Protein change: p.Asn1784fs; shifts the reading frame from asparagine 1784.
Molecular consequence: frameshift variant.
Genome position (GRCh38, 1-based): chr13:32,339,705-32,339,706, AA deleted; deleting any 2 consecutive bases within chr13:32,339,700-32,339,706 gives the same sequence; the c. name uses the placement nearest the transcript's 3' end. VCF-style (leftmost placement, unchanged base first): chr13-32339699-CAA-C. GRCh37 (hg19) VCF-style: chr13-32913836-CAA-C.
Other names: 5578delAA; c.5350_5351delAA (NM_000059.3).
Identifiers: ClinVar variation 37959 (VCV000037959.79), dbSNP rs80359507, ClinGen allele CA022093.
Genomic context (GRCh38, chr13:32,339,699, plus strand): 5'-TATCTCTCAAAAAATAAACTTGATTCTGGTATTGAGCCAGTATTGAAGAATGTTGAAGAT[CAA>C]AAAAACACTAGTTTTTCCAAAGTAATATCCAATGTAAAAGATGCAAATGCATACCCACAA-3'